The following is an entry in ClinVar:

ClinVar aggregate classification (germline): Uncertain significance. Review status: criteria provided, multiple submitters, no conflicts (2 of 4 stars). 2 submissions from 2 submitters: Uncertain significance (2). Last evaluated 2022-05-18.

Conditions:
Inborn genetic diseases. Identifiers: MedGen C0950123, MeSH D030342.
Brown-Vialetto-van Laere syndrome 1. Also called: BROWN-VIALETTO-VAN LAERE SYNDROME 1, MILD; BULBAR PALSY, PROGRESSIVE, WITH SENSORINEURAL DEAFNESS; PONTOBULBAR PALSY WITH DEAFNESS. Identifiers: Orphanet 572550, Orphanet 97229, MedGen C0796274, MONDO:0024537, OMIM 211530.

Allele frequency attached by ClinVar (database versions not stated): ExAC 0.00004; gnomAD exomes 0.00003 and 0.00002; gnomAD 0.00001 and 0.00002; TOPMed 0.00002; ESP Exome Variant Server 0.00008.
gnomAD v4.1: 28 of 1,608,976 alleles (0.0017%); highest among the groups gnomAD compares: Admixed American, 0.0051%; no homozygotes.

Submissions (2):

Labcorp Genetics (formerly Invitae), Labcorp
Classification: Uncertain significance for Brown-Vialetto-van Laere syndrome 1. Last evaluated: 2022-05-18. Review status: criteria provided, single submitter. Criteria: Invitae Variant Classification Sherloc (09022015). Collection method: clinical testing. Allele origin: germline.
Comment: This sequence change replaces alanine, which is neutral and non-polar, with threonine, which is neutral and polar, at codon 107 of the SLC52A3 protein (p.Ala107Thr). This variant is present in population databases (rs370718326, gnomAD 0.01%). This variant has not been reported in the literature in individuals affected with SLC52A3-related conditions. ClinVar contains an entry for this variant (Variation ID: 476608). Algorithms developed to predict the effect of missense changes on protein structure and function output the following: SIFT: "Deleterious"; PolyPhen-2: "Benign"; Align-GVGD: "Class C0". The threonine amino acid residue is found in multiple mammalian species, which suggests that this missense change does not adversely affect protein function. In summary, the available evidence is currently insufficient to determine the role of this variant in disease. Therefore, it has been classified as a Variant of Uncertain Significance.

Ambry Genetics
Classification: Uncertain significance for Inborn genetic diseases. Last evaluated: 2021-06-22. Review status: criteria provided, single submitter. Criteria: Ambry Variant Classification Scheme 2023. Collection method: clinical testing. Allele origin: germline.

NM_033409.4(SLC52A3):c.319G>A (p.Ala107Thr)

Gene: SLC52A3 (solute carrier family 52 member 3; minus strand). Cytogenetic location: 20p13.
Variant type: single nucleotide variant.
Coding change: c.319G>A on transcript NM_033409.4 (MANE Select); coding-DNA position 319, G replaced by A.
Protein change: p.Ala107Thr; replaces alanine 107 with threonine.
Molecular consequence: missense variant.
Genome position (GRCh38, 1-based): chr20:765,456, C>T on the plus strand (G>A on the coding strand, the complement: SLC52A3 is on the minus strand). VCF-style: chr20-765456-C-T. GRCh37 (hg19) VCF-style: chr20-746100-C-T.
Other names: c.319G>A, p.Ala107Thr (NM_001370085.1, NM_001370086.1); short protein forms A107T.
Identifiers: ClinVar variation 476608 (VCV000476608.5), dbSNP rs370718326, ClinGen allele CA9724799.
Genomic context (GRCh38, chr20:765,456, plus strand): 5'-GGAAGGTCACTGAAGAGGTGCAGTCCACCAGGGCCAGGAAGAAGGTGAGGACCAAGAAGG[C>T]GATGCTGTGGTGGCCGTCCAGCACCCAGGAGGTCATATTCCAGAGGAAGGCAAAGATGAT-3'
Protein context (NP_212134.3, residues 97-117): SWVLDGHHSI[Ala107Thr]FLVLTFFLAL